The following is an entry in ClinVar:

ClinVar aggregate classification (germline): Uncertain significance (1 of 4 stars; one submission).

Submission:

Ambry Genetics
Classification: Uncertain significance. Last evaluated: 2024-09-15. Review status: criteria provided, single submitter. Criteria: Ambry Variant Classification Scheme 2023. Collection method: clinical testing. Allele origin: germline.
Comment: The p.P495S variant (also known as c.1483C>T), located in coding exon 15 of the KIF1B gene, results from a C to T substitution at nucleotide position 1483. The proline at codon 495 is replaced by serine, an amino acid with similar properties. This amino acid position is conserved. In addition, this alteration is predicted to be deleterious by in silico analysis. Based on the available evidence, the clinical significance of this variant remains unclear.

NM_001365951.3(KIF1B):c.1621C>T (p.Pro541Ser)

Gene: KIF1B (kinesin family member 1B; plus strand). Cytogenetic location: 1p36.22.
Variant type: single nucleotide variant.
Coding change: c.1621C>T on transcript NM_001365951.3 (MANE Select); coding-DNA position 1621, C replaced by T.
Protein change: p.Pro541Ser; replaces proline 541 with serine.
Molecular consequence: missense variant.
Genome position (GRCh38, 1-based): chr1:10,295,116, C>T. VCF-style: chr1-10295116-C-T. GRCh37 (hg19) VCF-style: chr1-10355174-C-T.
Other names: c.1621C>T, p.Pro541Ser (NM_001365952.1); c.1483C>T, p.Pro495Ser (NM_001365953.1, NM_015074.3, NM_183416.4); short protein forms P495S, P541S.
Identifiers: ClinVar variation 3534016 (VCV003534016.1).
Genomic context (GRCh38, chr1:10,295,116, plus strand): 5'-TCCAAATTGATCATCTGTAATCTTTTTCAGACCCCACATCTTGTTAACCTCAATGAAGAC[C>T]CACTAATGTCTGAGTGCCTACTTTATTACATCAAAGATGGAATTACAAGGTATATTTATT-3'
Protein context (NP_001352880.1, residues 531-551): TPHLVNLNED[Pro541Ser]LMSECLLYYI